The following is an entry in ClinVar:

ClinVar aggregate classification (germline): Conflicting classifications of pathogenicity. Review status: criteria provided, conflicting classifications (1 of 4 stars). 3 submissions from 3 submitters: Uncertain significance (2); Likely benign (1). Last evaluated 2025-06-15.

Conditions:
Bethlem myopathy 2 (BTHLM2). Identifiers: Orphanet 536516, Orphanet 610, MedGen C4225313, MONDO:0034022, OMIM 616471.
Ullrich congenital muscular dystrophy 2 (UCMD2). Identifiers: Orphanet 75840, MedGen C4225314, MONDO:0014654, OMIM 616470.

Allele frequency attached by ClinVar (database versions not stated): gnomAD exomes 0.00001; ExAC 0.00001; gnomAD 0.00001; TOPMed 0.00001.

Submissions (3):

Labcorp Genetics (formerly Invitae), Labcorp
Classification: Likely benign for Bethlem myopathy 2; Ullrich congenital muscular dystrophy 2. Last evaluated: 2025-06-15. Review status: criteria provided, single submitter. Criteria: Invitae Variant Classification Sherloc (09022015). Collection method: clinical testing. Allele origin: germline.

Women's Health and Genetics/Laboratory Corporation of America, LabCorp
Classification: Uncertain significance. Last evaluated: 2025-02-10. Review status: criteria provided, single submitter. Criteria: LabCorp Variant Classification Summary - May 2015. Collection method: clinical testing. Allele origin: germline.
Comment: Variant summary: COL12A1 c.1457G>A (p.Arg486Gln) results in a conservative amino acid change in the encoded protein sequence. Two of four in-silico tools predict a benign effect of the variant on protein function. The variant allele was found at a frequency of 1.2e-05 in 248924 control chromosomes (gnomAD). The available data on variant occurrences in the general population are insufficient to allow any conclusion about variant significance. To our knowledge, no occurrence of c.1457G>A in individuals affected with Ullrich congenital muscular dystrophy 2 and no experimental evidence demonstrating its impact on protein function have been reported. ClinVar contains an entry for this variant (Variation ID: 1400337). Based on the evidence outlined above, the variant was classified as uncertain significance.

GeneDx
Classification: Uncertain significance. Last evaluated: 2024-02-12. Review status: criteria provided, single submitter. Criteria: GeneDx Variant Classification Process June 2021. Collection method: clinical testing. Allele origin: germline. Affected: yes.
Comment: Not observed at significant frequency in large population cohorts (gnomAD); In silico analysis supports that this missense variant does not alter protein structure/function; Has not been previously published as pathogenic or benign to our knowledge

NM_004370.6(COL12A1):c.1457G>A (p.Arg486Gln)

Gene: COL12A1 (collagen type XII alpha 1 chain; minus strand). Cytogenetic location: 6q13.
Variant type: single nucleotide variant.
Coding change: c.1457G>A on transcript NM_004370.6 (MANE Select); coding-DNA position 1457, G replaced by A.
Protein change: p.Arg486Gln; replaces arginine 486 with glutamine.
Molecular consequence: missense variant. On other transcripts: intron variant (1).
Genome position (GRCh38, 1-based): chr6:75,183,484, C>T on the plus strand (G>A on the coding strand, the complement: COL12A1 is on the minus strand). VCF-style: chr6-75183484-C-T. GRCh37 (hg19) VCF-style: chr6-75893200-C-T.
Other names: c.73+19236G>A (NM_080645.3); c.1457G>A (NM_004370.5); short protein forms R486Q.
Identifiers: ClinVar variation 1400337 (VCV001400337.8), dbSNP rs768545712, ClinGen allele CA3894195.